The following is an entry in ClinVar:

NM_001127671.2(LIFR):c.3275A>G (p.Gln1092Arg)

Gene: LIFR (LIF receptor subunit alpha; minus strand). Cytogenetic location: 5p13.1.
Variant type: single nucleotide variant.
Coding change: c.3275A>G on transcript NM_001127671.2 (MANE Select); coding-DNA position 3275, A replaced by G.
Protein change: p.Gln1092Arg; replaces glutamine 1092 with arginine.
Molecular consequence: missense variant.
Genome position (GRCh38, 1-based): chr5:38,481,614, T>C on the plus strand (A>G on the coding strand, the complement: LIFR is on the minus strand). VCF-style: chr5-38481614-T-C. GRCh37 (hg19) VCF-style: chr5-38481716-T-C.
Other names: c.3275A>G, p.Gln1092Arg (NM_001364297.2, NM_002310.6); c.3242A>G, p.Gln1081Arg (NM_001364298.2); short protein forms Q1081R, Q1092R.
Identifiers: ClinVar variation 1053132 (VCV001053132.7), dbSNP rs1460896687, ClinGen allele CA359533081.

ClinVar aggregate classification (germline): Uncertain significance. Review status: criteria provided, multiple submitters, no conflicts (2 of 4 stars). 2 submissions from 2 submitters: Uncertain significance (2). Last evaluated 2024-06-17.

Conditions:
Stüve-Wiedemann syndrome 1. Also called: STUVE-WIEDEMANN/SCHWARTZ-JAMPEL TYPE 2 SYNDROME. Identifiers: Orphanet 3206, MedGen C5676888, MONDO:0800043, OMIM 601559.

Allele frequency attached by ClinVar (database versions not stated): gnomAD exomes below 0.00001 and 0.00001; TOPMed below 0.00001; gnomAD 0.00001.
gnomAD v4.1: 11 of 1,614,012 alleles (0.00068%); highest among the groups gnomAD compares: Non-Finnish European, 0.00085%; no homozygotes.

Submissions (2):

Fulgent Genetics
Classification: Uncertain significance for Stüve-Wiedemann syndrome 1. Last evaluated: 2024-06-17. Review status: criteria provided, single submitter. Criteria: ACMG Guidelines, 2015. Collection method: clinical testing. Allele origin: germline.

Labcorp Genetics (formerly Invitae), Labcorp
Classification: Uncertain significance. Last evaluated: 2021-09-01. Review status: criteria provided, single submitter. Criteria: Invitae Variant Classification Sherloc (09022015). Collection method: clinical testing. Allele origin: germline.
Comment: This sequence change replaces glutamine with arginine at codon 1092 of the LIFR protein (p.Gln1092Arg). The glutamine residue is highly conserved and there is a small physicochemical difference between glutamine and arginine. This variant is not present in population databases (ExAC no frequency). This variant has not been reported in the literature in individuals affected with LIFR-related conditions. Algorithms developed to predict the effect of missense changes on protein structure and function are either unavailable or do not agree on the potential impact of this missense change (SIFT: "Tolerated"; PolyPhen-2: "Possibly Damaging"; Align-GVGD: "Class C0"). In summary, the available evidence is currently insufficient to determine the role of this variant in disease. Therefore, it has been classified as a Variant of Uncertain Significance.